The following is an entry in ClinVar:

ClinVar aggregate classification (germline): Uncertain significance. Review status: criteria provided, multiple submitters, no conflicts (2 of 4 stars). 3 submissions from 3 submitters: Uncertain significance (3). Last evaluated 2026-01-19.

Allele frequency attached by ClinVar (database versions not stated): gnomAD 0.00002; gnomAD exomes 0.00004; TOPMed 0.00006.
gnomAD v4.1: 27 of 1,606,774 alleles (0.0017%); highest among the groups gnomAD compares: Admixed American, 0.041%; no homozygotes.

Submissions (3):

Women's Health and Genetics/Laboratory Corporation of America, LabCorp
Classification: Uncertain significance. Last evaluated: 2026-01-19. Review status: criteria provided, single submitter. Criteria: LabCorp Variant Classification Summary - May 2015. Collection method: clinical testing. Allele origin: germline.
Comment: Variant summary: IL17RD c.337G>A (p.Val113Ile) results in a conservative amino acid change in the encoded protein sequence. Algorithms developed to predict the effect of missense changes on protein structure and function are either unavailable or do not agree on the potential impact of this missense change. The variant allele was found at a frequency of 8.4e-05 in 236850 control chromosomes. This frequency is not significantly higher than estimated for disease-causing variants in IL17RD, allowing no conclusion about variant significance. To our knowledge, no occurrence of c.337G>A in individuals affected with IL17RD-related conditions and no experimental evidence demonstrating its impact on protein function have been reported. ClinVar contains an entry for this variant (Variation ID: 2885328). Based on the evidence outlined above, the variant was classified as uncertain significance.

Ambry Genetics
Classification: Uncertain significance. Last evaluated: 2025-02-07. Review status: criteria provided, single submitter. Criteria: Ambry Variant Classification Scheme 2023. Collection method: clinical testing. Allele origin: germline.

Labcorp Genetics (formerly Invitae), Labcorp
Classification: Uncertain significance. Last evaluated: 2023-01-04. Review status: criteria provided, single submitter. Criteria: Invitae Variant Classification Sherloc (09022015). Collection method: clinical testing. Allele origin: germline.
Comment: This variant has not been reported in the literature in individuals affected with IL17RD-related conditions. In summary, the available evidence is currently insufficient to determine the role of this variant in disease. Therefore, it has been classified as a Variant of Uncertain Significance. Advanced modeling of protein sequence and biophysical properties (such as structural, functional, and spatial information, amino acid conservation, physicochemical variation, residue mobility, and thermodynamic stability) performed at Invitae indicates that this missense variant is not expected to disrupt IL17RD protein function. This variant is present in population databases (rs772168853, gnomAD 0.07%), and has an allele count higher than expected for a pathogenic variant. This sequence change replaces valine, which is neutral and non-polar, with isoleucine, which is neutral and non-polar, at codon 113 of the IL17RD protein (p.Val113Ile).

NM_017563.5(IL17RD):c.337G>A (p.Val113Ile)

Gene: IL17RD (interleukin 17 receptor D; minus strand). Cytogenetic location: 3p14.3.
Variant type: single nucleotide variant.
Coding change: c.337G>A on transcript NM_017563.5 (MANE Select); coding-DNA position 337, G replaced by A.
Protein change: p.Val113Ile; replaces valine 113 with isoleucine.
Molecular consequence: missense variant. On other transcripts: 5 prime UTR variant (1).
Genome position (GRCh38, 1-based): chr3:57,110,285, C>T on the plus strand (G>A on the coding strand, the complement: IL17RD is on the minus strand). VCF-style: chr3-57110285-C-T. GRCh37 (hg19) VCF-style: chr3-57144313-C-T.
Other names: c.337G>A (NM_017563.3); c.337G>A, p.Val113Ile (NM_001080973.1); c.-96G>A (NM_001318864.2); short protein forms V113I.
Identifiers: ClinVar variation 2885328 (VCV002885328.5), dbSNP rs772168853, ClinGen allele CA2463102.